The following is an entry in ClinVar:

NM_138694.4(PKHD1):c.2955dup (p.Asp986fs)

Gene: PKHD1 (PKHD1 ciliary IPT domain containing fibrocystin/polyductin; minus strand). Cytogenetic location: 6p12.2.
Variant type: Duplication.
Coding change: c.2955dup on transcript NM_138694.4 (MANE Select); coding-DNA position 2955, one base duplicated (A; older notation c.2955dupA).
Protein change: p.Asp986fs; shifts the reading frame from aspartic acid 986.
Molecular consequence: frameshift variant.
Genome position (GRCh38, 1-based): chr6:52,043,001, T duplicated on the plus strand (A on the coding strand, the reverse complement: PKHD1 is on the minus strand). VCF-style (leftmost placement, unchanged base first): chr6-52043000-C-CT. GRCh37 (hg19) VCF-style: chr6-51907798-C-CT.
Other names: c.2955dup, p.Asp986fs (NM_170724.3); short protein forms D986fs.
Identifiers: ClinVar variation 5013505 (VCV005013505.1).

ClinVar aggregate classification (germline): Pathogenic (1 of 4 stars; one submission).

Conditions:
Polycystic kidney disease 4 (PKD4). Also called: POLYCYSTIC KIDNEY AND HEPATIC DISEASE 1; POLYCYSTIC KIDNEY DISEASE, INFANTILE, TYPE I; POLYCYSTIC KIDNEY DISEASE 4 WITH OR WITHOUT POLYCYSTIC LIVER DISEASE; PKD3; Autosomal Recessive Polycystic Kidney Disease – PKHD1. Identifiers: MedGen C4540575, MONDO:0033004, OMIM 263200.

Submission:

Myriad Genetics, Inc.
Classification: Pathogenic for Polycystic kidney disease 4. Last evaluated: 2024-08-30. Review status: criteria provided, single submitter. Criteria: Myriad Autosomal Dominant, Autosomal Recessive and X-Linked Classification Criteria (2023). Collection method: clinical testing. Allele origin: unknown.
Comment: NM_138694.3(PKHD1):c.2955dupA(D986Rfs*35) is expected to be pathogenic in the context of autosomal recessive polycystic kidney disease, PKHD1-related. This variant is predicted to lead to an abnormal or absent protein product due to the creation of a premature termination codon in PKHD1, a gene where loss-of-function variants are known to be pathogenic. Please note: this variant was assessed in the context of healthy population screening.